The following is an entry in ClinVar:

ClinVar aggregate classification (germline): Benign. Review status: criteria provided, multiple submitters, no conflicts (2 of 4 stars). 4 submissions from 4 submitters: Benign (4). Last evaluated 2026-02-02.

Conditions:
Autosomal recessive early-onset Parkinson disease 7. Identifiers: Orphanet 2828, MedGen C1853445, MONDO:0011658, OMIM 606324.

Allele frequency attached by ClinVar (database versions not stated): gnomAD exomes 0.00551 and 0.01393; ExAC 0.01729; gnomAD 0.05356 and 0.05780; ESP Exome Variant Server 0.05843; 1000 Genomes Project 0.05891; 1000 Genomes Project 30x 0.06090; TOPMed 0.06126.
gnomAD v4.1: 16,547 of 1,609,916 alleles (1%); highest among the groups gnomAD compares: African/African-American, 19%; 1,370 homozygotes.

Submissions (4):

Labcorp Genetics (formerly Invitae), Labcorp
Classification: Benign for Autosomal recessive early-onset Parkinson disease 7. Last evaluated: 2026-02-02. Review status: criteria provided, single submitter. Criteria: Invitae Variant Classification Sherloc (09022015). Collection method: clinical testing. Allele origin: germline.

GeneDx
Classification: Benign. Last evaluated: 2018-08-17. Review status: criteria provided, single submitter. Criteria: GeneDx Variant Classification Process June 2021. Collection method: clinical testing. Allele origin: germline. Affected: yes.

Illumina Laboratory Services, Illumina
Classification: Benign for Autosomal recessive early-onset Parkinson disease 7. Last evaluated: 2018-01-13. Review status: criteria provided, single submitter. Criteria: ICSL Variant Classification Criteria 13 December 2019. Collection method: clinical testing. Allele origin: germline.
Comment: This variant was observed in the ICSL laboratory as part of a predisposition screen in an ostensibly healthy population. It had not been previously curated by ICSL or reported in the Human Gene Mutation Database (HGMD: prior to June 1st, 2018), and was therefore a candidate for classification through an automated scoring system. Utilizing variant allele frequency, disease prevalence and penetrance estimates, and inheritance mode, an automated score was calculated to assess if this variant is too frequent to cause the disease. Based on the score and internal cut-off values, a variant classified as benign is not then subjected to further curation. The score for this variant resulted in a classification of benign for this disease.

Breakthrough Genomics
Classification: Benign. Review status: criteria provided, single submitter. Criteria: ACMG Guidelines, 2015. Collection method: not provided. Allele origin: germline. Inheritance: Autosomal recessive inheritance. Affected: yes.

NM_007262.5(PARK7):c.323-14A>G

Gene: PARK7 (Parkinsonism associated deglycase; plus strand). Cytogenetic location: 1p36.23.
Variant type: single nucleotide variant.
Coding change: c.323-14A>G on transcript NM_007262.5 (MANE Select); 14 bases into the intron before coding-DNA position 323, A replaced by G.
Molecular consequence: intron variant.
Genome position (GRCh38, 1-based): chr1:7,977,638, A>G. VCF-style: chr1-7977638-A-G. GRCh37 (hg19) VCF-style: chr1-8037698-A-G.
Other names: c.323-14A>G (NM_001123377.2).
Identifiers: ClinVar variation 298122 (VCV000298122.15), dbSNP rs72854882, ClinGen allele CA569576.